The following is an entry in ClinVar:

ClinVar aggregate classification (germline): Uncertain significance. Review status: criteria provided, multiple submitters, no conflicts (2 of 4 stars). 3 submissions from 3 submitters: Uncertain significance (3). Last evaluated 2026-07-01.

Submissions (3):

CeGaT Center for Human Genetics Tuebingen
Classification: Uncertain significance. Last evaluated: 2026-07-01. Review status: criteria provided, single submitter. Criteria: CeGaT Center For Human Genetics Tuebingen Variant Classification Criteria Version 2. Collection method: clinical testing. Allele origin: germline. Affected: yes. Observed: 1 variant allele.
Comment: KMT2A: PM2, PM4:Supporting

Blueprint Genetics
Classification: Uncertain significance. Last evaluated: 2024-07-24. Review status: criteria provided, single submitter. Criteria: ACMG Guidelines, 2015. Collection method: clinical testing. Allele origin: germline.

Labcorp Genetics (formerly Invitae), Labcorp
Classification: Uncertain significance. Last evaluated: 2023-02-10. Review status: criteria provided, single submitter. Criteria: Invitae Variant Classification Sherloc (09022015). Collection method: clinical testing. Allele origin: germline.
Comment: This variant, c.6370_6372del, results in the deletion of 1 amino acid(s) of the KMT2A protein (p.Ser2124del), but otherwise preserves the integrity of the reading frame. This variant is not present in population databases (gnomAD no frequency). This variant has not been reported in the literature in individuals affected with KMT2A-related conditions. Experimental studies and prediction algorithms are not available or were not evaluated, and the functional significance of this variant is currently unknown. In summary, the available evidence is currently insufficient to determine the role of this variant in disease. Therefore, it has been classified as a Variant of Uncertain Significance.

NM_001197104.2(KMT2A):c.6370_6372del (p.Ser2124del)

Gene: KMT2A (lysine methyltransferase 2A; plus strand). Cytogenetic location: 11q23.3.
Variant type: Deletion.
Coding change: c.6370_6372del on transcript NM_001197104.2 (MANE Select); coding-DNA positions 6370 to 6372, 3 bases deleted (TCA; older notation c.6370_6372delTCA).
Protein change: p.Ser2124del; deletes serine 2124.
Molecular consequence: inframe deletion.
Genome position (GRCh38, 1-based): chr11:118,501,722-118,501,724, TCA deleted; deleting any 3 consecutive bases within chr11:118,501,720-118,501,724 gives the same sequence; the c. name uses the placement nearest the transcript's 3' end. VCF-style (leftmost placement, unchanged base first): chr11-118501719-CCAT-C. GRCh37 (hg19) VCF-style: chr11-118372434-CCAT-C.
Other names: c.6460_6462del, p.Ser2154del (NM_001412597.1); c.6361_6363del, p.Ser2121del (NM_005933.4); short protein forms S2121del, S2124del, S2154del.
Identifiers: ClinVar variation 2836122 (VCV002836122.6), dbSNP rs2496983825, ClinGen allele CA2739271703.
Genomic context (GRCh38, chr11:118,501,719, plus strand): 5'-TTTCCTGCCACAGAAAGTTCATCAAAAGAGAGTCAAAACACAGCTGAAATTATAAGTCCT[CCAT>C]CACCAGACCGACCTCCTCATTCACAAACCTCTGGCTCCTGTTATTATCATGTCATCTCAA-3'